The following is an entry in ClinVar:

NM_000254.3(MTR):c.3424C>T (p.His1142Tyr)

Gene: MTR (5-methyltetrahydrofolate-homocysteine methyltransferase; plus strand). Cytogenetic location: 1q43.
Variant type: single nucleotide variant.
Coding change: c.3424C>T on transcript NM_000254.3 (MANE Select); coding-DNA position 3424, C replaced by T.
Protein change: p.His1142Tyr; replaces histidine 1142 with tyrosine.
Molecular consequence: missense variant.
Genome position (GRCh38, 1-based): chr1:236,895,376, C>T. VCF-style: chr1-236895376-C-T. GRCh37 (hg19) VCF-style: chr1-237058676-C-T.
Other names: c.3271C>T, p.His1091Tyr (NM_001291939.1); c.2203C>T, p.His735Tyr (NM_001291940.2); c.3235C>T, p.His1079Tyr (NM_001410942.1); short protein forms H1091Y, H1142Y, H735Y, H1079Y.
Identifiers: ClinVar variation 2718095 (VCV002718095.3), dbSNP rs1389451053, ClinGen allele CA345389608.
Genomic context (GRCh38, chr1:236,895,376, plus strand): 5'-CCCTGCGTCTGCCTAAGCATGCCTGCTGCTTTGGGTCCCAAGGCCTTTGCAGAAGAGCTC[C>T]ATGAAAGAGTTCGCCGAGAACTGTGGGCCTACTGTGGCAGTGAGCAGCTGGACGTCGCAG-3'
Protein context (NP_000245.2, residues 1132-1152): RLAEAFAEEL[His1142Tyr]ERVRRELWAY

ClinVar aggregate classification (germline): Uncertain significance (1 of 4 stars; one submission).

Conditions:
Methylcobalamin deficiency type cblG (HMAG). Also called: HOMOCYSTINURIA-MEGALOBLASTIC ANEMIA, cblG COMPLEMENTATION TYPE; Functional methionine synthase deficiency type cblG; HOMOCYSTINURIA-MEGALOBLASTIC ANEMIA, cblG TYPE; HOMOCYSTINURIA-MEGALOBLASTIC ANEMIA DUE TO DEFECT IN COBALAMIN METABOLISM, cblG COMPLEMENTATION TYPE. Identifiers: Orphanet 2170, Orphanet 622, MedGen C1855128, MONDO:0009609, OMIM 250940.

Allele frequency attached by ClinVar (database versions not stated): gnomAD exomes below 0.00001.
gnomAD v4.1: 2 of 1,601,208 alleles (0.00012%); highest among the groups gnomAD compares: Non-Finnish European, 0.00017%; no homozygotes.

Submission:

Labcorp Genetics (formerly Invitae), Labcorp
Classification: Uncertain significance for Methylcobalamin deficiency type cblG. Last evaluated: 2023-04-20. Review status: criteria provided, single submitter. Criteria: Invitae Variant Classification Sherloc (09022015). Collection method: clinical testing. Allele origin: germline.
Comment: In summary, the available evidence is currently insufficient to determine the role of this variant in disease. Therefore, it has been classified as a Variant of Uncertain Significance. Advanced modeling of protein sequence and biophysical properties (such as structural, functional, and spatial information, amino acid conservation, physicochemical variation, residue mobility, and thermodynamic stability) performed at Invitae indicates that this missense variant is expected to disrupt MTR protein function. This missense change has been observed in individual(s) with homocystinuria-megaloblastic anemia (Invitae). In at least one individual the data is consistent with being in trans (on the opposite chromosome) from a pathogenic variant. The frequency data for this variant in the population databases is considered unreliable, as metrics indicate poor data quality at this position in the gnomAD database. This sequence change replaces histidine, which is basic and polar, with tyrosine, which is neutral and polar, at codon 1142 of the MTR protein (p.His1142Tyr).